The following is an entry in ClinVar:

NM_001171.6(ABCC6):c.3489G>A (p.Pro1163=)

Gene: ABCC6 (ATP binding cassette subfamily C member 6; minus strand). Cytogenetic location: 16p13.11.
Variant type: single nucleotide variant.
Coding change: c.3489G>A on transcript NM_001171.6 (MANE Select); coding-DNA position 3489, G replaced by A.
Protein change: p.Pro1163=; no amino-acid change (proline 1163 retained).
Molecular consequence: synonymous variant.
Genome position (GRCh38, 1-based): chr16:16,163,010, C>T on the plus strand (G>A on the coding strand, the complement: ABCC6 is on the minus strand). VCF-style: chr16-16163010-C-T. GRCh37 (hg19) VCF-style: chr16-16256867-C-T.
Other names: c.3147G>A, p.Pro1049= (NM_001351800.1).
Identifiers: ClinVar variation 1551333 (VCV001551333.10), dbSNP rs202000035, ClinGen allele CA7925570.

ClinVar aggregate classification (germline): Likely benign. Review status: criteria provided, multiple submitters, no conflicts (2 of 4 stars). 3 submissions from 3 submitters: Likely benign (3). Last evaluated 2026-09-01.

Allele frequency attached by ClinVar (database versions not stated): gnomAD exomes 0.00004 and 0.00006; TOPMed 0.00004; gnomAD 0.00006.
gnomAD v4.1: 69 of 1,614,086 alleles (0.0043%); highest among the groups gnomAD compares: South Asian, 0.02%; no homozygotes.

Submissions (3):

CeGaT Center for Human Genetics Tuebingen
Classification: Likely benign. Last evaluated: 2026-09-01. Review status: criteria provided, single submitter. Criteria: CeGaT Center For Human Genetics Tuebingen Variant Classification Criteria Version 2. Collection method: clinical testing. Allele origin: germline. Affected: yes. Observed: 1 variant allele.
Comment: ABCC6: BP4, BP7

Labcorp Genetics (formerly Invitae), Labcorp
Classification: Likely benign. Last evaluated: 2026-01-07. Review status: criteria provided, single submitter. Criteria: Invitae Variant Classification Sherloc (09022015). Collection method: clinical testing. Allele origin: germline.

Blueprint Genetics
Classification: Likely benign. Last evaluated: 2024-05-13. Review status: criteria provided, single submitter. Criteria: ACMG Guidelines, 2015. Collection method: clinical testing. Allele origin: germline.